The following is an entry in ClinVar:

ClinVar aggregate classification (germline): Conflicting classifications of pathogenicity. Review status: criteria provided, conflicting classifications (1 of 4 stars). 4 submissions from 4 submitters: Uncertain significance (2); Likely benign (2). Last evaluated 2025-11-06.

Allele frequency attached by ClinVar (database versions not stated): TOPMed 0.00002; gnomAD 0.00003; gnomAD exomes 0.00005 and 0.00014; ExAC 0.00025.
gnomAD v4.1: 100 of 1,555,870 alleles (0.0064%); highest among the groups gnomAD compares: Non-Finnish European, 0.0059%; 1 homozygote.

Submissions (4):

Women's Health and Genetics/Laboratory Corporation of America, LabCorp
Classification: Likely benign. Last evaluated: 2025-11-06. Review status: criteria provided, single submitter. Criteria: LabCorp Variant Classification Summary - May 2015. Collection method: clinical testing. Allele origin: germline.
Comment: Variant summary: ADGRV1 c.17857-6T>C alters a conserved nucleotide located at a position not widely known to affect splicing. Consensus agreement among computation tools predict no significant impact on normal splicing. However, these predictions have yet to be confirmed by functional studies. The variant allele was found at a frequency of 0.00014 in 249086 control chromosomes. This frequency is not significantly higher than estimated for disease-causing variants in ADGRV1, allowing no conclusion about variant significance. c.17857-6T>C has been observed in at least one individual affected with adult-onset hearing loss, without strong evidence for causality (Lewis_2018). This report does not provide unequivocal conclusions about association of the variant with ADGRV1-Related Disorders. To our knowledge, no experimental evidence demonstrating an impact on protein function has been reported. The following publication has been ascertained in the context of this evaluation (PMID: 30180840). ClinVar contains an entry for this variant (Variation ID: 281562). Based on the evidence outlined above, the variant was classified as likely benign.

Labcorp Genetics (formerly Invitae), Labcorp
Classification: Likely benign. Last evaluated: 2025-09-16. Review status: criteria provided, single submitter. Criteria: Invitae Variant Classification Sherloc (09022015). Collection method: clinical testing. Allele origin: germline.

Blueprint Genetics
Classification: Uncertain significance. Last evaluated: 2023-06-20. Review status: criteria provided, single submitter. Criteria: ACMG Guidelines, 2015. Collection method: clinical testing. Allele origin: germline.

Eurofins Ntd Llc (ga)
Classification: Uncertain significance. Last evaluated: 2015-06-25. Review status: criteria provided, single submitter. Criteria: EGL Classification Definitions 2015. Collection method: clinical testing. Allele origin: germline. Observed: 1 variant allele, 1 heterozygote.

Literature cited by the submitters: PubMed 30180840 (cited by Women's Health and Genetics/Laboratory Corporation of America, LabCorp).

NM_032119.4(ADGRV1):c.17857-6T>C

Gene: ADGRV1 (adhesion G protein-coupled receptor V1; plus strand). Cytogenetic location: 5q14.3.
Variant type: single nucleotide variant.
Coding change: c.17857-6T>C on transcript NM_032119.4 (MANE Select); 6 bases into the intron before coding-DNA position 17857, T replaced by C.
Molecular consequence: intron variant.
Genome position (GRCh38, 1-based): chr5:90,965,409, T>C. VCF-style: chr5-90965409-T-C. GRCh37 (hg19) VCF-style: chr5-90261226-T-C.
Identifiers: ClinVar variation 281562 (VCV000281562.14), dbSNP rs773357747, ClinGen allele CA3342487.